The following is an entry in ClinVar:

ClinVar aggregate classification (germline): Benign/Likely benign. Review status: criteria provided, multiple submitters, no conflicts (2 of 4 stars). 6 submissions from 6 submitters: Benign (3); Likely benign (2). 1 of the submissions does not count toward it. Last evaluated 2026-02-01.

Conditions:
ANO3-related disorder. Also called: ANO3-related condition.
Dystonic disorder. Also called: Dystonia. Identifiers: MedGen C0013421, MONDO:0003441, HP:0001332.
Dystonia 24 (DYT24). Also called: DYT-ANO3. Identifiers: Orphanet 420485, MedGen C3554374, MONDO:0014019, OMIM 615034.

Submissions (6):

Labcorp Genetics (formerly Invitae), Labcorp
Classification: Benign for Dystonic disorder. Last evaluated: 2026-02-01. Review status: criteria provided, single submitter. Criteria: Invitae Variant Classification Sherloc (09022015). Collection method: clinical testing. Allele origin: germline.

Blueprint Genetics
Classification: Likely benign. Last evaluated: 2024-11-27. Review status: criteria provided, single submitter. Criteria: ACMG Guidelines, 2015. Collection method: clinical testing. Allele origin: germline.

Mayo Clinic Laboratories, Mayo Clinic
Classification: Benign. Last evaluated: 2023-02-21. Review status: criteria provided, single submitter. Criteria: ACMG Guidelines, 2015. Collection method: clinical testing. Allele origin: germline. Observed: 36 variant alleles.
Comment: BS1, BS2, BP4, BP7

Genome-Nilou Lab
Classification: Benign for Dystonia 24. Last evaluated: 2021-12-05. Review status: criteria provided, single submitter. Criteria: ACMG Guidelines, 2015. Collection method: clinical testing. Allele origin: germline. Affected: no.

GeneDx
Classification: Likely benign. Last evaluated: 2021-08-03. Review status: criteria provided, single submitter. Criteria: GeneDx Variant Classification Process June 2021. Collection method: clinical testing. Allele origin: germline. Affected: yes.

PreventionGenetics, part of Exact Sciences
Classification: Benign for ANO3-related condition. Last evaluated: 2019-03-27. Review status: no assertion criteria provided. Collection method: clinical testing. Allele origin: germline. Not counted in ClinVar's aggregate classification.
Comment: This variant is classified as benign based on ACMG/AMP sequence variant interpretation guidelines (Richards et al. 2015 PMID: 25741868, with internal and published modifications).

NM_031418.4(ANO3):c.1290-5_1290-4del

Gene: ANO3 (anoctamin 3; plus strand). Cytogenetic location: 11p14.2.
Variant type: Microsatellite.
Coding change: c.1290-5_1290-4del on transcript NM_031418.4 (MANE Select); 5 bases into the intron before coding-DNA position 1290 through 4 bases into the intron before coding-DNA position 1290, 2 bases deleted (TC; older notation c.1290-5_1290-4delTC).
Molecular consequence: intron variant.
Genome position (GRCh38, 1-based): chr11:26,553,244-26,553,245, TC deleted; deleting any 2 consecutive bases within chr11:26,553,242-26,553,245 gives the same sequence; the c. name uses the placement nearest the transcript's 3' end. VCF-style (leftmost placement, unchanged base first): chr11-26553241-TTC-T. GRCh37 (hg19) VCF-style: chr11-26574788-TTC-T.
Other names: p.?; c.1290-5_1290-4delTC (NM_031418.3, NM_031418.2); c.1473-5_1473-4del (NM_001313726.2); c.852-5_852-4del (NM_001313727.2).
Identifiers: ClinVar variation 412867 (VCV000412867.19), dbSNP rs202169392, ClinGen allele CA5925896.